The following is an entry in ClinVar:

NM_001303256.3(MORC2):c.976C>T (p.Arg326Trp)

Gene: MORC2 (MORC family CW-type zinc finger 2; minus strand). Cytogenetic location: 22q12.2.
Variant type: single nucleotide variant.
Coding change: c.976C>T on transcript NM_001303256.3 (MANE Select); coding-DNA position 976, C replaced by T.
Protein change: p.Arg326Trp; replaces arginine 326 with tryptophan.
Molecular consequence: missense variant.
Genome position (GRCh38, 1-based): chr22:30,939,970, G>A on the plus strand (C>T on the coding strand, the complement: MORC2 is on the minus strand). VCF-style: chr22-30939970-G-A. GRCh37 (hg19) VCF-style: chr22-31335957-G-A.
Other names: c.976C>T (NM_001303256.2); c.976C>T, p.Arg326Trp (NM_001303257.2); c.790C>T, p.Arg264Trp (NM_014941.3); short protein forms R264W, R326W.
Identifiers: ClinVar variation 475603 (VCV000475603.10), dbSNP rs558057376, ClinGen allele CA10187087.
Genomic context (GRCh38, chr22:30,939,970, plus strand): 5'-TCCTAGTGCCAGAAACGCTGGAGAACAGCCGCCTGGGCCGGGACCTTACCCTGGAGTCCC[G>A]CGTGAGGTCTCCACCTAGGCGTACTTCTAATGTCCGAGCTTTGCTCTCTGCCTCCCGCGC-3'
Protein context (NP_001290185.1, residues 316-336): LEVRLGGDLT[Arg326Trp]DSRVMLRQVQ

ClinVar aggregate classification (germline): Uncertain significance. Review status: criteria provided, multiple submitters, no conflicts (2 of 4 stars). 2 submissions from 2 submitters: Uncertain significance (2). Last evaluated 2025-04-30.

Conditions:
MORC2-related disorder. Also called: MORC2-related condition.
Charcot-Marie-Tooth disease axonal type 2Z. Also called: CHARCOT-MARIE-TOOTH DISEASE, AXONAL, AUTOSOMAL DOMINANT, TYPE 2Z; CHARCOT-MARIE-TOOTH NEUROPATHY, TYPE 2Z. Identifiers: Orphanet 466768, MedGen C5569025, MONDO:0014736, OMIM 616688.

Allele frequency attached by ClinVar (database versions not stated): gnomAD exomes 0.00001 and 0.00002; ExAC 0.00002; gnomAD 0.00004 and 0.00005; TOPMed 0.00004; 1000 Genomes Project 30x 0.00016; 1000 Genomes Project 0.00020.
gnomAD v4.1: 18 of 1,613,784 alleles (0.0011%); highest among the groups gnomAD compares: Middle Eastern, 0.017%; no homozygotes.

Submissions (2):

PreventionGenetics, part of Exact Sciences
Classification: Uncertain significance for MORC2-related condition. Last evaluated: 2025-04-30. Review status: criteria provided, single submitter. Criteria: ACMG Guidelines, 2015. Collection method: clinical testing. Allele origin: germline.
Comment: The MORC2 c.976C>T variant is predicted to result in the amino acid substitution p.Arg326Trp. To our knowledge, this variant has not been reported in the literature. This variant is reported in 0.012% of alleles in individuals of African descent in gnomAD, which may be too common to be an undocumented cause of disease. Although we suspect that this variant may be benign, at this time, the clinical significance of this variant is uncertain due to the absence of conclusive functional and genetic evidence.

Labcorp Genetics (formerly Invitae), Labcorp
Classification: Uncertain significance for Charcot-Marie-Tooth disease axonal type 2Z. Last evaluated: 2025-03-18. Review status: criteria provided, single submitter. Criteria: Invitae Variant Classification Sherloc (09022015). Collection method: clinical testing. Allele origin: germline.
Comment: This sequence change replaces arginine, which is basic and polar, with tryptophan, which is neutral and slightly polar, at codon 326 of the MORC2 protein (p.Arg326Trp). This variant is present in population databases (rs558057376, gnomAD 0.01%). This variant has not been reported in the literature in individuals affected with MORC2-related conditions. ClinVar contains an entry for this variant (Variation ID: 475603). Invitae Evidence Modeling of protein sequence and biophysical properties (such as structural, functional, and spatial information, amino acid conservation, physicochemical variation, residue mobility, and thermodynamic stability) indicates that this missense variant is expected to disrupt MORC2 protein function with a positive predictive value of 80%. In summary, the available evidence is currently insufficient to determine the role of this variant in disease. Therefore, it has been classified as a Variant of Uncertain Significance.